The following is an entry in ClinVar:

ClinVar aggregate classification (germline): Uncertain significance (1 of 4 stars; one submission).

Conditions:
Malignant hyperthermia, susceptibility to, 1 (MHS1). Also called: Anesthesia related hyperthermia; Malignant hyperpyrexia; Fulminating hyperpyrexia; Pharmacogenic myopathy; RYR1-Related Malignant Hyperthermia Susceptibility; Malignant hyperthermia suceptibility 1. Identifiers: Orphanet 423, MedGen C2930980, MONDO:0007783, OMIM 145600.

Submission:

All of Us Research Program, National Institutes of Health
Classification: Uncertain significance for Malignant hyperthermia, susceptibility to, 1. Last evaluated: 2023-05-31. Review status: criteria provided, single submitter. Criteria: ACMG Guidelines, 2015. Collection method: clinical testing. Allele origin: germline. Inheritance: Autosomal dominant inheritance. Observed: 1 variant allele, 1 heterozygote.
Comment: This study involves interpretation of variants in research participants for the purpose of population health screening. Participant phenotype was not available at the time of variant classification. Additional details can be found in publication PMID: 35346344, PMCID: PMC8962531

NM_000540.3(RYR1):c.7748T>A (p.Leu2583Gln)

Gene: RYR1 (ryanodine receptor 1; plus strand). Cytogenetic location: 19q13.2.
Variant type: single nucleotide variant.
Coding change: c.7748T>A on transcript NM_000540.3 (MANE Select); coding-DNA position 7748, T replaced by A.
Protein change: p.Leu2583Gln; replaces leucine 2583 with glutamine.
Molecular consequence: missense variant.
Genome position (GRCh38, 1-based): chr19:38,502,640, T>A. VCF-style: chr19-38502640-T-A. GRCh37 (hg19) VCF-style: chr19-38993280-T-A.
Other names: c.7748T>A, p.Leu2583Gln (NM_001042723.2); short protein forms L2583Q.
Identifiers: ClinVar variation 3071160 (VCV003071160.1), dbSNP rs2514334306, ClinGen allele CA405671909.